The following is an entry in ClinVar:

NM_001002294.3(FMO3):c.1521del (p.Lys507fs)

Gene: FMO3 (flavin containing dimethylaniline monoxygenase 3; plus strand). Cytogenetic location: 1q24.3.
Variant type: Deletion.
Coding change: c.1521del on transcript NM_001002294.3 (MANE Select); coding-DNA position 1521, one base deleted (G; older notation c.1521delG).
Protein change: p.Lys507fs; shifts the reading frame from lysine 507.
Molecular consequence: frameshift variant.
Genome position (GRCh38, 1-based): chr1:171,117,364, G deleted. VCF-style (leftmost placement, unchanged base first): chr1-171117363-AG-A. GRCh37 (hg19) VCF-style: chr1-171086503-AG-A.
Other names: c.1461del, p.Lys487fs (NM_001319173.2); c.1332del, p.Lys444fs (NM_001319174.2); c.1521del, p.Lys507fs (NM_006894.6); short protein forms K487fs, K507fs, K444fs.
Identifiers: ClinVar variation 5003922 (VCV005003922.1).

ClinVar aggregate classification (germline): Uncertain significance (1 of 4 stars; one submission).

Conditions:
Trimethylaminuria (TMAU). Also called: Primary Trimethylaminuria; Fish malodor syndrome; Stale fish syndrome; TMAuria; FISH-ODOR SYNDROME. Identifiers: MedGen C0342739, MONDO:0011182, OMIM 602079, HP:0003614. Disease mechanism: loss of function.

Submission:

Myriad Genetics, Inc.
Classification: Uncertain significance for Trimethylaminuria. Last evaluated: 2025-09-22. Review status: criteria provided, single submitter. Criteria: Myriad Autosomal Dominant, Autosomal Recessive and X-Linked Classification Criteria (2023). Collection method: clinical testing. Allele origin: unknown.
Comment: NM_001002294.2(FMO3):c.1521delG(K507Nfs*9) is a frameshift variant classified as a variant of uncertain significance in the context of primary trimethylaminuria. K507Nfs*9 has not been observed in cases with relevant disease. Relevant functional assessments of this variant are not available in the literature. K507Nfs*9 has been observed in referenced population frequency databases. In summary, there is insufficient evidence to classify NM_001002294.2(FMO3):c.1521delG(K507Nfs*9) as pathogenic or benign. Please note: this variant was assessed in the context of healthy population screening.